The following is an entry in ClinVar:

ClinVar aggregate classification (germline): Uncertain significance (1 of 4 stars; one submission).

Submission:

Ambry Genetics
Classification: Uncertain significance. Last evaluated: 2025-12-17. Review status: criteria provided, single submitter. Criteria: Ambry Variant Classification Scheme 2023. Collection method: clinical testing. Allele origin: germline.
Comment: The p.R2017G variant (also known as c.6049C>G), located in coding exon 24 of the WNK2 gene, results from a C to G substitution at nucleotide position 6049. The arginine at codon 2017 is replaced by glycine, an amino acid with dissimilar properties. This amino acid position is conserved. In addition, the in silico prediction for this alteration is inconclusive. Based on the available evidence, the clinical significance of this variant remains unclear.

NM_006648.4(WNK2):c.6049C>G (p.Arg2017Gly)

Gene: WNK2 (WNK lysine deficient protein kinase 2; plus strand). Cytogenetic location: 9q22.31.
Variant type: single nucleotide variant.
Coding change: c.6049C>G on transcript NM_006648.4 (MANE Select); coding-DNA position 6049, C replaced by G.
Protein change: p.Arg2017Gly; replaces arginine 2017 with glycine.
Molecular consequence: missense variant.
Genome position (GRCh38, 1-based): chr9:93,299,195, C>G. VCF-style: chr9-93299195-C-G. GRCh37 (hg19) VCF-style: chr9-96061477-C-G.
Other names: c.6160C>G, p.Arg2054Gly (NM_001282394.3); short protein forms R2017G, R2054G.
Identifiers: ClinVar variation 4842079 (VCV004842079.1).